The following is an entry in ClinVar:

ClinVar aggregate classification (germline): Uncertain significance (1 of 4 stars; one submission).

Submission:

Labcorp Genetics (formerly Invitae), Labcorp
Classification: Uncertain significance. Last evaluated: 2024-06-05. Review status: criteria provided, single submitter. Criteria: Invitae Variant Classification Sherloc (09022015). Collection method: clinical testing. Allele origin: germline.
Comment: This sequence change replaces serine, which is neutral and polar, with lysine, which is basic and polar, at codon 60 of the PRDM13 protein (p.Ser60Lys). Information on the frequency of this variant in the gnomAD database is not available, as this variant may be reported differently in the database. This variant has not been reported in the literature in individuals affected with PRDM13-related conditions. An algorithm developed to predict the effect of missense changes on protein structure and function (PolyPhen-2) suggests that this variant is likely to be disruptive. In summary, the available evidence is currently insufficient to determine the role of this variant in disease. Therefore, it has been classified as a Variant of Uncertain Significance.

NM_021620.4(PRDM13):c.178_179delinsAA (p.Ser60Lys)

Gene: PRDM13 (PR/SET domain 13; plus strand). Cytogenetic location: 6q16.2.
Variant type: Indel.
Coding change: c.178_179delinsAA on transcript NM_021620.4 (MANE Select); coding-DNA positions 178 to 179, TC replaced by AA.
Protein change: p.Ser60Lys; replaces serine 60 with lysine.
Molecular consequence: missense variant.
Genome position (GRCh38, 1-based): chr6:99,608,774-99,608,775, TC replaced by AA. VCF-style: chr6-99608774-TC-AA. GRCh37 (hg19) VCF-style: chr6-100056650-TC-AA.
Other names: short protein forms S60K.
Identifiers: ClinVar variation 3654913 (VCV003654913.2).